The following is an entry in ClinVar:

ClinVar aggregate classification (germline): Uncertain significance. Review status: criteria provided, multiple submitters, no conflicts (2 of 4 stars). 2 submissions from 2 submitters: Uncertain significance (2). Last evaluated 2025-07-07.

Conditions:
Inborn genetic diseases. Identifiers: MedGen C0950123, MeSH D030342.
Imerslund-Grasbeck syndrome. Also called: Megaloblastic anemia due to inborn errors of metabolism; ENTEROCYTE COBALAMIN MALABSORPTION; ENTEROCYTE INTRINSIC FACTOR RECEPTOR, DEFECT OF; PERNICIOUS ANEMIA, JUVENILE, DUE TO SELECTIVE INTESTINAL MALABSORPTION OF VITAMIN B12, WITH PROTEINURIA; Imerslund-Gräsbeck syndrome. Identifiers: Orphanet 35858, MedGen C4551825, MONDO:0009853.

Allele frequency attached by ClinVar (database versions not stated): ExAC 0.00021; gnomAD 0.00003; gnomAD exomes 0.00004; TOPMed 0.00002; ESP Exome Variant Server 0.00008.
gnomAD v4.1: 71 of 1,613,994 alleles (0.0044%); highest among the groups gnomAD compares: Non-Finnish European, 0.0047%; no homozygotes.

Submissions (2):

Labcorp Genetics (formerly Invitae), Labcorp
Classification: Uncertain significance for Imerslund-Grasbeck syndrome. Last evaluated: 2025-07-07. Review status: criteria provided, single submitter. Criteria: Invitae Variant Classification Sherloc (09022015). Collection method: clinical testing. Allele origin: germline.
Comment: This sequence change replaces proline, which is neutral and non-polar, with arginine, which is basic and polar, at codon 1408 of the CUBN protein (p.Pro1408Arg). This variant is present in population databases (rs201428284, gnomAD 0.03%). This variant has not been reported in the literature in individuals affected with CUBN-related conditions. ClinVar contains an entry for this variant (Variation ID: 2344297). Invitae Evidence Modeling of protein sequence and biophysical properties (such as structural, functional, and spatial information, amino acid conservation, physicochemical variation, residue mobility, and thermodynamic stability) indicates that this missense variant is expected to disrupt CUBN protein function with a positive predictive value of 80%. In summary, the available evidence is currently insufficient to determine the role of this variant in disease. Therefore, it has been classified as a Variant of Uncertain Significance.

Ambry Genetics
Classification: Uncertain significance for Inborn genetic diseases. Last evaluated: 2022-01-03. Review status: criteria provided, single submitter. Criteria: Ambry Variant Classification Scheme 2023. Collection method: clinical testing. Allele origin: germline.

NM_001081.4(CUBN):c.4223C>G (p.Pro1408Arg)

Gene: CUBN (cubilin; minus strand). Cytogenetic location: 10p13.
Variant type: single nucleotide variant.
Coding change: c.4223C>G on transcript NM_001081.4 (MANE Select); coding-DNA position 4223, C replaced by G.
Protein change: p.Pro1408Arg; replaces proline 1408 with arginine.
Molecular consequence: missense variant.
Genome position (GRCh38, 1-based): chr10:16,990,461, G>C on the plus strand (C>G on the coding strand, the complement: CUBN is on the minus strand). VCF-style: chr10-16990461-G-C. GRCh37 (hg19) VCF-style: chr10-17032460-G-C.
Other names: short protein forms P1408R.
Identifiers: ClinVar variation 2344297 (VCV002344297.5), dbSNP rs201428284, ClinGen allele CA5424448.